The following is an entry in ClinVar:

NC_000023.10:g.(?_22132556)_(22132724_?)del

Gene: PHEX (phosphate regulating endopeptidase X-linked; plus strand). Cytogenetic location: Xp22.11.
Variant type: Deletion.
Identifiers: ClinVar variation 1393687 (VCV001393687.4).

ClinVar aggregate classification (germline): Pathogenic (1 of 4 stars; one submission).

Submission:

Labcorp Genetics (formerly Invitae), Labcorp
Classification: Pathogenic. Last evaluated: 2021-08-29. Review status: criteria provided, single submitter. Criteria: Invitae Variant Classification Sherloc (09022015). Collection method: clinical testing. Allele origin: germline.
Comment: For these reasons, this variant has been classified as Pathogenic. This variant disrupts the p.Cys406 amino acid residue in PHEX. Other variant(s) that disrupt this residue have been determined to be pathogenic (PMID: 23079138, 24756041, 29460029, 29505567). This suggests that this residue is clinically significant, and that variants that disrupt this residue are likely to be disease-causing. A similar copy number variant has been observed in individual(s) with hypophosphatemia (PMID: 30298485; Invitae). This variant is a gross deletion of the genomic region encompassing exon(s) 11 of the PHEX gene. This variant would be expected to be in-frame, preserving the integrity of the reading frame.

Literature cited by the submitters: PubMed 23079138; PubMed 24756041; PubMed 29460029; PubMed 29505567; PubMed 30298485.